The following is an entry in ClinVar:

NM_012243.3(SLC35A3):c.226G>T (p.Glu76Ter)

Gene: SLC35A3 (solute carrier family 35 member A3; plus strand). Cytogenetic location: 1p21.2.
Variant type: single nucleotide variant.
Coding change: c.226G>T on transcript NM_012243.3 (MANE Select); coding-DNA position 226, G replaced by T.
Protein change: p.Glu76Ter; replaces glutamic acid 76 with a stop codon.
Molecular consequence: nonsense.
Genome position (GRCh38, 1-based): chr1:99,999,299, G>T. VCF-style: chr1-99999299-G-T. GRCh37 (hg19) VCF-style: chr1-100464855-G-T.
Other names: c.226G>T, p.Glu76Ter (NM_001271684.2, NM_001437713.1, NM_001437717.1 and 3 more transcripts); c.352G>T, p.Glu118Ter (NM_001271685.2); short protein forms E118*, E76*.
Identifiers: ClinVar variation 5015985 (VCV005015985.1).
Genomic context (GRCh38, chr1:99,999,299, plus strand): 5'-TTTTTCTCATATTATTTTCTAGAATGTAGTCTAAGAGCACTGAATCGAGTACTACATGAT[G>T]AAATTCTTAATAAACCTATGGAAACACTTAAACTTGCTATTCCATCAGGGATCTATACTC-3'

ClinVar aggregate classification (germline): Pathogenic (1 of 4 stars; one submission).

Conditions:
Autism spectrum disorder - epilepsy - arthrogryposis syndrome (AMRS). Identifiers: Orphanet 370943, MedGen C3809910, MONDO:0014248, OMIM 615553.

Submission:

Myriad Genetics, Inc.
Classification: Pathogenic for Autism spectrum disorder - epilepsy - arthrogryposis syndrome. Last evaluated: 2026-06-04. Review status: criteria provided, single submitter. Criteria: Myriad Autosomal Dominant, Autosomal Recessive and X-Linked Classification Criteria (2023). Collection method: clinical testing. Allele origin: unknown.
Comment: NM_001271685.1(SLC35A3):c.352G>T(E118*) is expected to be pathogenic in the context of arthrogryposis, impaired intellectual development, and seizures. This variant is predicted to lead to an abnormal or absent protein product due to the creation of a premature termination codon in SLC35A3, a gene where loss-of-function variants are known to be pathogenic. Please note: this variant was assessed in the context of healthy population screening.